The following is an entry in ClinVar:

ClinVar aggregate classification (germline): Uncertain significance. Review status: criteria provided, multiple submitters, no conflicts (2 of 4 stars). 6 submissions from 5 submitters: Uncertain significance (5). 1 of the submissions does not count toward it. Last evaluated 2025-07-02.

Conditions:
ATP1A2-related disorder. Also called: ATP1A2-related condition; ATP1A2-RELATED DISORDERS.
Familial hemiplegic migraine. Identifiers: MedGen C0338484, MONDO:0000700.
Migraine, familial hemiplegic, 2. Identifiers: Orphanet 569, MedGen C1865322, MONDO:0011232, OMIM 602481.
Alternating hemiplegia of childhood 1 (AHC1). Identifiers: Orphanet 2131, MedGen C3549447, MONDO:0007087, OMIM 104290.

Allele frequency attached by ClinVar (database versions not stated): gnomAD exomes 0.00001; TOPMed 0.00001; ExAC 0.00002.

Submissions (6):

Labcorp Genetics (formerly Invitae), Labcorp
Classification: Uncertain significance for Familial hemiplegic migraine. Last evaluated: 2025-07-02. Review status: criteria provided, single submitter. Criteria: Invitae Variant Classification Sherloc (09022015). Collection method: clinical testing. Allele origin: germline.
Comment: This sequence change replaces threonine, which is neutral and polar, with methionine, which is neutral and non-polar, at codon 415 of the ATP1A2 protein (p.Thr415Met). This variant is present in population databases (rs121918618, gnomAD 0.006%). This missense change has been observed in individual(s) with clinical features of ATP1A2-related conditions (PMID: 17473835; internal data). ClinVar contains an entry for this variant (Variation ID: 12928). Invitae Evidence Modeling of protein sequence and biophysical properties (such as structural, functional, and spatial information, amino acid conservation, physicochemical variation, residue mobility, and thermodynamic stability) has been performed for this missense variant. However, the output from this modeling did not meet the statistical confidence thresholds required to predict the impact of this variant on ATP1A2 protein function. Experimental studies have shown that this missense change affects ATP1A2 function (PMID: 17473835). In summary, the available evidence is currently insufficient to determine the role of this variant in disease. Therefore, it has been classified as a Variant of Uncertain Significance.

PreventionGenetics, part of Exact Sciences
Classification: Uncertain significance for ATP1A2-related condition. Last evaluated: 2025-05-29. Review status: criteria provided, single submitter. Criteria: ACMG Guidelines, 2015. Collection method: clinical testing. Allele origin: germline.
Comment: The ATP1A2 c.1244C>T variant is predicted to result in the amino acid substitution p.Thr415Met. This variant was reported in the compound heterozygous state and showed partial segregation with the phenotype in a single family with familial hemiplegic migraine (Vanmolkot et al. 2007. PubMed ID: 17473835). A functional study using transfected HeLa cells showed that this variant impairs Na,K-ATPase pump function and cell viability (Vanmolkot et al. 2007. PubMed ID: 17473835). This variant is reported in 0.0089% of alleles in individuals of Latino descent in gnomAD. Although we suspect that this variant may be pathogenic, at this time, the clinical significance of this variant is uncertain due to the absence of conclusive functional and genetic evidence.

Blueprint Genetics
Classification: Uncertain significance. Last evaluated: 2021-09-13. Review status: criteria provided, single submitter. Criteria: ACMG Guidelines, 2015. Collection method: clinical testing. Allele origin: germline.

Illumina Laboratory Services, Illumina
Classification: Uncertain significance for Migraine, familial hemiplegic, 2. Last evaluated: 2017-04-28. Review status: criteria provided, single submitter. Criteria: ICSL Variant Classification Criteria 13 December 2019. Collection method: clinical testing. Allele origin: germline.
Comment: This variant was observed as part of a predisposition screen in an ostensibly healthy population. A literature search was performed for the gene, cDNA change, and amino acid change (where applicable). Publications were found based on this search. However, the evidence from the literature, in combination with allele frequency data from public databases where available, was not sufficient to rule this variant in or out of causing disease. Therefore, this variant is classified as a variant of unknown significance.

Illumina Laboratory Services, Illumina
Classification: Uncertain significance for Alternating hemiplegia of childhood 1. Last evaluated: 2017-04-28. Review status: criteria provided, single submitter. Criteria: ICSL Variant Classification Criteria 13 December 2019. Collection method: clinical testing. Allele origin: germline.

OMIM
Classification: Pathogenic for MIGRAINE, FAMILIAL HEMIPLEGIC, 2. Last evaluated: 2007-08-01. Review status: no assertion criteria provided. Collection method: literature only. Allele origin: germline. Not counted in ClinVar's aggregate classification.

Literature cited by the submitters: PubMed 17473835 (cited by 3 submitters).

NM_000702.4(ATP1A2):c.1244C>T (p.Thr415Met)

Gene: ATP1A2 (ATPase Na+/K+ transporting subunit alpha 2; plus strand). Cytogenetic location: 1q23.2.
Variant type: single nucleotide variant.
Coding change: c.1244C>T on transcript NM_000702.4 (MANE Select); coding-DNA position 1244, C replaced by T.
Protein change: p.Thr415Met; replaces threonine 415 with methionine.
Molecular consequence: missense variant.
Genome position (GRCh38, 1-based): chr1:160,129,007, C>T. VCF-style: chr1-160129007-C-T. GRCh37 (hg19) VCF-style: chr1-160098797-C-T.
Other names: short protein forms T415M.
Identifiers: ClinVar variation 12928 (VCV000012928.17), dbSNP rs121918618, ClinGen allele CA256650.